The following is an entry in ClinVar:

NM_001379451.1(BCORL1):c.2174C>T (p.Pro725Leu)

Gene: BCORL1 (BCL6 corepressor like 1; plus strand). Cytogenetic location: Xq26.1.
Variant type: single nucleotide variant.
Coding change: c.2174C>T on transcript NM_001379451.1 (MANE Select); coding-DNA position 2174, C replaced by T.
Protein change: p.Pro725Leu; replaces proline 725 with leucine.
Molecular consequence: missense variant.
Genome position (GRCh38, 1-based): chrX:130,014,946, C>T. VCF-style: chrX-130014946-C-T. GRCh37 (hg19) VCF-style: chrX-129148922-C-T.
Other names: c.2174C>T, p.Pro725Leu (NM_001184772.3, NM_001379450.1, NM_021946.5); short protein forms P725L.
Identifiers: ClinVar variation 1702786 (VCV001702786.3), dbSNP rs1429394573, ClinGen allele CA414588981.

ClinVar aggregate classification (germline): Uncertain significance (1 of 4 stars; one submission).

Allele frequency attached by ClinVar (database versions not stated): gnomAD exomes below 0.00001.
gnomAD v4.1: 1 of 1,211,696 alleles (0.000083%); highest among the groups gnomAD compares: African/African-American, 0.0017%; no homozygotes.

Submission:

GeneDx
Classification: Uncertain significance. Last evaluated: 2023-04-25. Review status: criteria provided, single submitter. Criteria: GeneDx Variant Classification Process June 2021. Collection method: clinical testing. Allele origin: germline.
Comment: Not observed at significant frequency in large population cohorts (gnomAD); In silico analysis supports that this missense variant has a deleterious effect on protein structure/function; Has not been previously published as pathogenic or benign to our knowledge